The following is an entry in ClinVar:

NM_000123.4(ERCC5):c.2442G>A (p.Trp814Ter)

Genes: BIVM-ERCC5 (BIVM-ERCC5 readthrough; plus strand), ERCC5 (ERCC excision repair 5, endonuclease; plus strand), LOC126861834 (BRD4-independent group 4 enhancer GRCh37_chr13:103518038-103519237; plus strand). Cytogenetic location: 13q33.1.
Variant type: single nucleotide variant.
Coding change: c.2442G>A on transcript NM_000123.4 (MANE Select); coding-DNA position 2442, G replaced by A.
Protein change: p.Trp814Ter; replaces tryptophan 814 with a stop codon.
Molecular consequence: nonsense.
Genome position (GRCh38, 1-based): chr13:102,866,754, G>A. VCF-style: chr13-102866754-G-A. GRCh37 (hg19) VCF-style: chr13-103519104-G-A.
Other names: c.3804G>A, p.Trp1268Ter (NM_001204425.2); short protein forms W1268*, W814*.
Identifiers: ClinVar variation 5005218 (VCV005005218.2).

ClinVar aggregate classification (germline): Likely pathogenic (1 of 4 stars; one submission).

Conditions:
Cerebrooculofacioskeletal syndrome 3 (COFS3). Identifiers: MedGen C1851443, MONDO:0014696, OMIM 616570.
Xeroderma pigmentosum, group G (XPG). Also called: XERODERMA PIGMENTOSUM VII; XP, GROUP G; Xeroderma pigmentosum type 7; ERCC5-Related Xeroderma Pigmentosum. Identifiers: MedGen C0268141, MONDO:0010216, OMIM 278780.

Submission:

Juno Genomics, Hangzhou Juno Genomics, Inc
Classification: Likely pathogenic for Xeroderma pigmentosum, group G; Cerebrooculofacioskeletal syndrome 3. Review status: criteria provided, single submitter. Criteria: ACMG Guidelines, 2015. Collection method: clinical testing. Allele origin: germline.
Comment: Null variant in a gene where loss of function (LOF) is a known mechanism of disease.;Absent from controls (or at extremely low frequency if recessive) in Genome Aggregation Database.